The following is an entry in ClinVar:

ClinVar aggregate classification (germline): Conflicting classifications of pathogenicity. Review status: criteria provided, conflicting classifications (1 of 4 stars). 4 submissions from 4 submitters: Uncertain significance (3); Benign (1). Last evaluated 2025-10-15.

Conditions:
Van Maldergem syndrome 2 (VMLDS2). Identifiers: Orphanet 314679, MedGen C3809875, MONDO:0014242, OMIM 615546.
Hennekam lymphangiectasia-lymphedema syndrome 2 (HKLLS2). Identifiers: Orphanet 2136, MedGen C4014939, MONDO:0014454, OMIM 616006.

Allele frequency attached by ClinVar (database versions not stated): ESP Exome Variant Server 0.00008; gnomAD 0.00009; TOPMed 0.00014; ExAC 0.00019.
gnomAD v4.1: 184 of 1,613,662 alleles (0.011%); highest among the groups gnomAD compares: African/African-American, 0.0094%; no homozygotes.

Submissions (4):

Labcorp Genetics (formerly Invitae), Labcorp
Classification: Benign. Last evaluated: 2025-10-15. Review status: criteria provided, single submitter. Criteria: Invitae Variant Classification Sherloc (09022015). Collection method: clinical testing. Allele origin: germline.

Fulgent Genetics
Classification: Uncertain significance for Van Maldergem syndrome 2; Hennekam lymphangiectasia-lymphedema syndrome 2. Last evaluated: 2024-03-27. Review status: criteria provided, single submitter. Criteria: ACMG Guidelines, 2015. Collection method: clinical testing. Allele origin: germline.

CeGaT Center for Human Genetics Tuebingen
Classification: Uncertain significance. Last evaluated: 2024-01-01. Review status: criteria provided, single submitter. Criteria: CeGaT Center For Human Genetics Tuebingen Variant Classification Criteria Version 2. Collection method: clinical testing. Allele origin: germline. Affected: yes. Observed: 1 variant allele.
Comment: FAT4: PM2:Supporting, BP4

GeneDx
Classification: Uncertain significance. Last evaluated: 2023-03-30. Review status: criteria provided, single submitter. Criteria: GeneDx Variant Classification Process June 2021. Collection method: clinical testing. Allele origin: germline. Affected: yes.
Comment: In silico analysis supports that this missense variant has a deleterious effect on protein structure/function; Has not been previously published as pathogenic or benign to our knowledge

NM_001291303.3(FAT4):c.6985C>T (p.Arg2329Cys)

Gene: FAT4 (FAT atypical cadherin 4; plus strand). Cytogenetic location: 4q28.1.
Variant type: single nucleotide variant.
Coding change: c.6985C>T on transcript NM_001291303.3 (MANE Select); coding-DNA position 6985, C replaced by T.
Protein change: p.Arg2329Cys; replaces arginine 2329 with cysteine.
Molecular consequence: missense variant.
Genome position (GRCh38, 1-based): chr4:125,416,589, C>T. VCF-style: chr4-125416589-C-T. GRCh37 (hg19) VCF-style: chr4-126337744-C-T.
Other names: c.6985C>T (NM_024582.4, NM_024582.5); c.6985C>T, p.Arg2329Cys (NM_001291285.3, NM_024582.6); short protein forms R2329C.
Identifiers: ClinVar variation 1600426 (VCV001600426.32), dbSNP rs148293496, ClinGen allele CA3073043.